The following is an entry in ClinVar:

ClinVar aggregate classification (germline): Likely pathogenic. Review status: criteria provided, multiple submitters, no conflicts (2 of 4 stars). 2 submissions from 2 submitters: Likely pathogenic (2). Last evaluated 2025-07-23.

Conditions:
Autosomal recessive limb-girdle muscular dystrophy type 2J (LGMDR10). Also called: Limb-girdle muscular dystrophy, type 2J; MUSCULAR DYSTROPHY, LIMB-GIRDLE, AUTOSOMAL RECESSIVE 10. Identifiers: Orphanet 140922, MedGen C1837342, MONDO:0012127, OMIM 608807.
Dilated cardiomyopathy 1G (CMD1G). Identifiers: Orphanet 154, MedGen C1858763, MONDO:0011400, OMIM 604145.

Submissions (2):

GeneDx
Classification: Likely pathogenic. Last evaluated: 2025-07-23. Review status: criteria provided, single submitter. Criteria: GeneDx Variant Classification Process June 2021. Collection method: clinical testing. Allele origin: germline.
Comment: Located in a specific region of the I-band within TTN for which truncating variants are significantly associated with autosomal dominant cardiomyopathy and also with autosomal recessive skeletal myopathies (PMID: 27625338, 27869827, 32778822); Not observed at significant frequency in large population cohorts (gnomAD); Has not been previously published as pathogenic or benign to our knowledge; This variant is associated with the following publications: (PMID: 27625338, 27869827, 32778822)

Labcorp Genetics (formerly Invitae), Labcorp
Classification: Likely pathogenic for Dilated cardiomyopathy 1G; Autosomal recessive limb-girdle muscular dystrophy type 2J. Last evaluated: 2024-12-24. Review status: criteria provided, single submitter. Criteria: Invitae Variant Classification Sherloc (09022015). Collection method: clinical testing. Allele origin: germline.
Comment: This sequence change creates a premature translational stop signal (p.Lys14418Serfs*6) in the TTN gene. While this is not anticipated to result in nonsense mediated decay, it is expected to create a truncated TTN protein. This variant is not present in population databases (gnomAD no frequency). This variant has not been observed in the literature in individuals with autosomal recessive TTN-related conditions. This variant has been reported in individual(s) with autosomal dominant dilated cardiomyopathy (internal data); however, the role of the variant in this condition is currently unclear. ClinVar contains an entry for this variant (Variation ID: 962609). This variant is located in the I band of TTN (PMID: 25589632). Truncating variants in this region have been reported in individuals affected with autosomal recessive centronuclear myopathy (PMID: 23975875, internal data). Truncating variants in this region have also been identified in individuals affected with autosomal dominant dilated cardiomyopathy and/or cardio-related conditions (PMID: 27869827, 32964742, internal data). In summary, the currently available evidence indicates that the variant is pathogenic, but additional data are needed to prove that conclusively. Therefore, this variant has been classified as Likely Pathogenic.

Literature cited by the submitters: PubMed 25589632 (cited by Labcorp Genetics (formerly Invitae), Labcorp); PubMed 23975875 (cited by Labcorp Genetics (formerly Invitae), Labcorp); PubMed 27869827 (cited by Labcorp Genetics (formerly Invitae), Labcorp); PubMed 32964742 (cited by Labcorp Genetics (formerly Invitae), Labcorp).

NM_001267550.2(TTN):c.43253_43254del (p.Lys14418fs)

Gene: TTN (titin; minus strand). Cytogenetic location: 2q31.2.
Variant type: Deletion.
Coding change: c.43253_43254del on transcript NM_001267550.2 (MANE Select); coding-DNA positions 43253 to 43254, 2 bases deleted (AA; older notation c.43253_43254delAA).
Protein change: p.Lys14418fs; shifts the reading frame from lysine 14418.
Molecular consequence: frameshift variant.
Genome position (GRCh38, 1-based): chr2:178,632,752-178,632,753, TT deleted on the plus strand (AA on the coding strand, the reverse complement: TTN is on the minus strand); deleting any 2 consecutive bases within chr2:178,632,752-178,632,754 gives the same sequence; the c. name uses the placement nearest the transcript's 3' end. VCF-style (leftmost placement, unchanged base first): chr2-178632751-CTT-C. GRCh37 (hg19) VCF-style: chr2-179497478-CTT-C.
Other names: c.43253_43254del (NM_001267550.1); c.38330_38331del, p.Lys12777fs (NM_001256850.1); c.16058_16059del, p.Lys5353fs (NM_003319.4); c.35549_35550del, p.Lys11850fs (NM_133378.4); c.16433_16434del, p.Lys5478fs (NM_133432.3); c.16634_16635del, p.Lys5545fs (NM_133437.4); short protein forms K14418fs, K5478fs, K5545fs, K12777fs, K11850fs, K5353fs.
Identifiers: ClinVar variation 962609 (VCV000962609.12), dbSNP rs2059956960, ClinGen allele CA1139657473.
Genomic context (GRCh38, chr2:178,632,751, plus strand): 5'-GGAATGTTTTGGGCTCCCTGGATACTTCACACTCAAACTTAGCCTCATCTTTCTCGAAGA[CTT>C]TAACATCACTGAGAGGTGTGATGAAGATAAGAGGCAATTCTGAAAGAAGTGGACAGTGGA-3'